The following is an entry in ClinVar:

NM_032638.5(GATA2):c.1327C>T (p.Leu443Phe)

Gene: GATA2 (GATA binding protein 2; minus strand). Cytogenetic location: 3q21.3.
Variant type: single nucleotide variant.
Coding change: c.1327C>T on transcript NM_032638.5 (MANE Select); coding-DNA position 1327, C replaced by T.
Protein change: p.Leu443Phe; replaces leucine 443 with phenylalanine.
Molecular consequence: missense variant.
Genome position (GRCh38, 1-based): chr3:128,481,135, G>A on the plus strand (C>T on the coding strand, the complement: GATA2 is on the minus strand). VCF-style: chr3-128481135-G-A. GRCh37 (hg19) VCF-style: chr3-128199978-G-A.
Other names: c.1327C>T, p.Leu443Phe (NM_001145661.2); c.1285C>T, p.Leu429Phe (NM_001145662.1); short protein forms L443F, L429F.
Identifiers: ClinVar variation 5022210 (VCV005022210.1).

ClinVar aggregate classification (germline): Uncertain significance (1 of 4 stars; one submission).

Conditions:
Inborn genetic diseases. Identifiers: MedGen C0950123, MeSH D030342.

Submission:

Ambry Genetics
Classification: Uncertain significance for Inborn genetic diseases. Last evaluated: 2026-07-07. Review status: criteria provided, single submitter. Criteria: Ambry Variant Classification Scheme 2023. Collection method: clinical testing. Allele origin: germline.
Comment: The p.L443F variant (also known as c.1327C>T), located in coding exon 5 of the GATA2 gene, results from a C to T substitution at nucleotide position 1327. The leucine at codon 443 is replaced by phenylalanine, an amino acid with highly similar properties. This amino acid position is conserved. In addition, the in silico prediction for this alteration is inconclusive. Based on the available evidence, the clinical significance of this variant remains unclear.